The following is an entry in ClinVar:

ClinVar aggregate classification (germline): Uncertain significance. Review status: criteria provided, multiple submitters, no conflicts (2 of 4 stars). 2 submissions from 2 submitters: Uncertain significance (2). Last evaluated 2025-07-18.

Conditions:
Long QT syndrome (LQTS). Identifiers: MedGen C0023976, MeSH D008133, MONDO:0002442. Disease mechanism: loss of function. Inheritance: Various modes of inheritance.
Cardiovascular phenotype. Identifiers: MedGen CN230736.

Submissions (3):

Labcorp Genetics (formerly Invitae), Labcorp
Classification: Uncertain significance for Long QT syndrome. Last evaluated: 2025-07-18. Review status: criteria provided, single submitter. Criteria: Invitae Variant Classification Sherloc (09022015). Collection method: clinical testing. Allele origin: germline.
Comment: This sequence change replaces valine, which is neutral and non-polar, with isoleucine, which is neutral and non-polar, at codon 50 of the KCNE1 protein (p.Val50Ile). This variant is not present in population databases (gnomAD no frequency). This variant has not been reported in the literature in individuals affected with KCNE1-related conditions. ClinVar contains an entry for this variant (Variation ID: 2587505). Invitae Evidence Modeling of protein sequence and biophysical properties (such as structural, functional, and spatial information, amino acid conservation, physicochemical variation, residue mobility, and thermodynamic stability) indicates that this missense variant is not expected to disrupt KCNE1 protein function with a negative predictive value of 95%. In summary, the available evidence is currently insufficient to determine the role of this variant in disease. Therefore, it has been classified as a Variant of Uncertain Significance.

Ambry Genetics
Classification: Uncertain significance for Cardiovascular phenotype. Last evaluated: 2025-01-03. Review status: criteria provided, single submitter. Criteria: Ambry Variant Classification Scheme 2023. Collection method: clinical testing. Allele origin: germline.

Roden Lab, Vanderbilt University Medical Center
No classification provided (evidence only). Condition: Long QT syndrome 5. Review status: no classification provided. Collection method: in vitro. Allele origin: not applicable. Functional consequence: Effect on ion channel function. Not counted in ClinVar's aggregate classification.
ClinVar note: "not provided" was previously submitted as the classification for the variant. However, the classification appeared to be based only on an observation of functional data so it was converted to no classification on 2025-07-30.

NM_000219.6(KCNE1):c.148G>A (p.Val50Ile)

Gene: KCNE1 (potassium voltage-gated channel subfamily E regulatory subunit 1; minus strand). Cytogenetic location: 21q22.12.
Variant type: single nucleotide variant.
Coding change: c.148G>A on transcript NM_000219.6 (MANE Select); coding-DNA position 148, G replaced by A.
Protein change: p.Val50Ile; replaces valine 50 with isoleucine.
Molecular consequence: missense variant.
Genome position (GRCh38, 1-based): chr21:34,449,487, C>T on the plus strand (G>A on the coding strand, the complement: KCNE1 is on the minus strand). VCF-style: chr21-34449487-C-T. GRCh37 (hg19) VCF-style: chr21-35821785-C-T.
Other names: c.148G>A, p.Val50Ile (NM_001127668.4, NM_001127669.4, NM_001127670.4 and 4 more transcripts); short protein forms V50I.
Identifiers: ClinVar variation 2587505 (VCV002587505.6), dbSNP rs2516764164, ClinGen allele CA410198388.
Genomic context (GRCh38, chr21:34,449,487, plus strand): 5'-TCTTGGAGCGGATGTAGCTCAGCATGATGCCCAGGGTGAAGAAGCCGAAGAATCCCAGTA[C>T]CATGAGGACGTAGAGGGCCTCCAGCTTGCCGTCACTGCTGCGGGGGGACCTGCGGGCCAG-3'
Protein context (NP_000210.2, residues 40-60): GKLEALYVLM[Val50Ile]LGFFGFFTLG